The following is an entry in ClinVar:

NM_001326342.2(CELF2):c.221A>G (p.Tyr74Cys)

Gene: CELF2 (CUGBP Elav-like family member 2; plus strand). Cytogenetic location: 10p14.
Variant type: single nucleotide variant.
Coding change: c.221A>G on transcript NM_001326342.2 (MANE Select); coding-DNA position 221, A replaced by G.
Protein change: p.Tyr74Cys; replaces tyrosine 74 with cysteine.
Molecular consequence: missense variant. On other transcripts: 5 prime UTR variant (4).
Genome position (GRCh38, 1-based): chr10:11,165,632, A>G. VCF-style: chr10-11165632-A-G. GRCh37 (hg19) VCF-style: chr10-11207595-A-G.
Other names: NM_001394519.1:c.221A>G; c.128A>G, p.Tyr43Cys (NM_001025076.2, NM_001083591.1, NM_001326317.2 and 15 more transcripts); c.200A>G, p.Tyr67Cys (NM_001025077.3, NM_001326331.2, NM_001326332.2 and 4 more transcripts); c.293A>G, p.Tyr98Cys (NM_001326325.2); c.236A>G, p.Tyr79Cys (NM_001326326.2, NM_001326327.2); c.-405A>G (NM_001326333.2); c.-51A>G (NM_001326338.2, NM_001326339.2); c.221A>G, p.Tyr74Cys (NM_001326340.2, NM_001326341.2, NM_001326343.2 and 4 more transcripts); and 2 more; short protein forms Y43C, Y51C, Y67C, Y74C, Y79C, Y98C.
Identifiers: ClinVar variation 3252052 (VCV003252052.1), dbSNP rs2546601834.

ClinVar aggregate classification (germline): Uncertain significance (1 of 4 stars; one submission).

Conditions:
Neurodevelopmental disorder. Identifiers: MedGen C1535926, MeSH D065886, MONDO:0700092.

Submission:

Broad Center for Mendelian Genomics, Broad Institute of MIT and Harvard
Classification: Uncertain significance for Neurodevelopmental disorder. Last evaluated: 2024-06-19. Review status: criteria provided, single submitter. Criteria: ACMG Guidelines, 2015. Collection method: curation. Allele origin: germline. Inheritance: Autosomal dominant inheritance. Study: GREGoR Consortium.
Comment: While this gene is still lacking sufficient evidence to establish a gene-disease relationship, we believe this is a possible novel gene candidate for neurodevelopmental disorders. Given the limited information about this gene-disease relationship, the significance of the p.Tyr74Cys variant is uncertain. If you have any additional information about functional evidence or other individuals with this phenotype that also have variants in CELF2 we encourage you to reach out to us.